The following is an entry in ClinVar:

ClinVar aggregate classification (germline): Uncertain significance (1 of 4 stars; one submission).

Submission:

Labcorp Genetics (formerly Invitae), Labcorp
Classification: Uncertain significance. Last evaluated: 2025-02-11. Review status: criteria provided, single submitter. Criteria: Invitae Variant Classification Sherloc (09022015). Collection method: clinical testing. Allele origin: germline.
Comment: This sequence change replaces tyrosine, which is neutral and polar, with histidine, which is basic and polar, at codon 28 of the MARS2 protein (p.Tyr28His). This variant is not present in population databases (gnomAD no frequency). This variant has not been reported in the literature in individuals affected with MARS2-related conditions. An algorithm developed to predict the effect of missense changes on protein structure and function outputs the following: PolyPhen-2: "Benign". The histidine amino acid residue is found in multiple mammalian species, which suggests that this missense change does not adversely affect protein function. In summary, the available evidence is currently insufficient to determine the role of this variant in disease. Therefore, it has been classified as a Variant of Uncertain Significance.

NM_138395.4(MARS2):c.82T>C (p.Tyr28His)

Gene: MARS2 (methionyl-tRNA synthetase 2, mitochondrial; plus strand). Cytogenetic location: 2q33.1.
Variant type: single nucleotide variant.
Coding change: c.82T>C on transcript NM_138395.4 (MANE Select); coding-DNA position 82, T replaced by C.
Protein change: p.Tyr28His; replaces tyrosine 28 with histidine.
Molecular consequence: missense variant.
Genome position (GRCh38, 1-based): chr2:197,705,487, T>C. VCF-style: chr2-197705487-T-C. GRCh37 (hg19) VCF-style: chr2-198570211-T-C.
Other names: short protein forms Y28H.
Identifiers: ClinVar variation 4712367 (VCV004712367.1).